The following is an entry in ClinVar:

NM_000642.3(AGL):c.168_169del (p.Thr56_Phe57insTer)

Gene: AGL (amylo-alpha-1,6-glucosidase and 4-alpha-glucanotransferase; plus strand). Cytogenetic location: 1p21.2.
Variant type: Deletion.
Coding change: c.168_169del on transcript NM_000642.3 (MANE Select); coding-DNA positions 168 to 169, 2 bases deleted (AT; older notation c.168_169delAT).
Protein change: p.Thr56_Phe57insTer.
Molecular consequence: frameshift variant. On other transcripts: nonsense (9).
Genome position (GRCh38, 1-based): chr1:99,861,588-99,861,589, AT deleted. VCF-style (leftmost placement, unchanged base first): chr1-99861587-CAT-C. GRCh37 (hg19) VCF-style: chr1-100327143-CAT-C.
Other names: c.168_169delAT, p.Phe57Terfs (NM_000028.3, NM_000643.3, NM_000644.3 and 5 more transcripts); c.120_121delAT, p.Phe41Terfs (NM_000646.3).
Identifiers: ClinVar variation 2780278 (VCV002780278.3), dbSNP rs1201531708, ClinGen allele CA741018418.

ClinVar aggregate classification (germline): Pathogenic (1 of 4 stars; one submission).

Conditions:
Glycogen storage disease type III (GSD3). Also called: Cori disease; FORBES DISEASE. Identifiers: Orphanet 366, MedGen C0017922, MONDO:0009291, OMIM 232400.

Allele frequency attached by ClinVar (database versions not stated): gnomAD 0.00001; TOPMed 0.00001.

Submission:

Labcorp Genetics (formerly Invitae), Labcorp
Classification: Pathogenic for Glycogen storage disease type III. Last evaluated: 2022-12-23. Review status: criteria provided, single submitter. Criteria: Invitae Variant Classification Sherloc (09022015). Collection method: clinical testing. Allele origin: germline.
Comment: This variant has not been reported in the literature in individuals affected with AGL-related conditions. This variant is not present in population databases (gnomAD no frequency). This sequence change creates a premature translational stop signal (p.Phe57*) in the AGL gene. It is expected to result in an absent or disrupted protein product. Loss-of-function variants in AGL are known to be pathogenic (PMID: 19299494). For these reasons, this variant has been classified as Pathogenic.

Literature cited by the submitters: PubMed 19299494.